The following is an entry in ClinVar:

NC_000023.11:g.(?_40057155)_(40077969_?)del

Genes: BCOR (BCL6 corepressor; minus strand), LOC126863239 (MED14-independent group 3 enhancer GRCh37_chrX:39932994-39934193; plus strand). Cytogenetic location: Xp11.4.
Variant type: Deletion.
Identifiers: ClinVar variation 417570 (VCV000417570.1).

ClinVar aggregate classification (germline): Pathogenic (1 of 4 stars; one submission).

Conditions:
Oculofaciocardiodental syndrome (MCOPS2). Identifiers: Orphanet 2712, MedGen C1846265, MONDO:0010261, OMIM 300166.

Submission:

Labcorp Genetics (formerly Invitae), Labcorp
Classification: Pathogenic for Oculofaciocardiodental syndrome. Last evaluated: 2016-11-01. Review status: criteria provided, single submitter. Criteria: Invitae Variant Classification Sherloc (09022015). Collection method: clinical testing. Allele origin: germline.
Comment: This variant is a gross deletion of the genomic region encompassing exons 2-11 of the BCOR gene, which includes the initiator codon. The 5' end of this event is unknown as it extends beyond the assayed region for this gene and therefore may encompass the non-coding exon 1 and/or additional genes. The 3' boundary is likely confined to intron 11 of the BCOR gene. This is expected to result in an absent or disrupted protein product. While this particular variant has not been reported in the literature, loss-of-function variants in BCOR are known to be pathogenic (PMID: 19367324). For these reasons, this variant has been classified as Pathogenic.